The following is an entry in ClinVar:

ClinVar aggregate classification (germline): Uncertain significance (1 of 4 stars; one submission).

Allele frequency attached by ClinVar (database versions not stated): gnomAD exomes below 0.00001; ExAC 0.00001.
gnomAD v4.1: 3 of 1,613,886 alleles (0.00019%); highest among the groups gnomAD compares: Non-Finnish European, 0.00025%; no homozygotes.

Submission:

Labcorp Genetics (formerly Invitae), Labcorp
Classification: Uncertain significance. Last evaluated: 2022-07-24. Review status: criteria provided, single submitter. Criteria: Invitae Variant Classification Sherloc (09022015). Collection method: clinical testing. Allele origin: germline.
Comment: In summary, the available evidence is currently insufficient to determine the role of this variant in disease. Therefore, it has been classified as a Variant of Uncertain Significance. Algorithms developed to predict the effect of missense changes on protein structure and function are either unavailable or do not agree on the potential impact of this missense change (SIFT: "Deleterious"; PolyPhen-2: "Probably Damaging"; Align-GVGD: "Class C0"). This variant has not been reported in the literature in individuals affected with WNT3A-related conditions. This variant is present in population databases (rs753280205, gnomAD 0.0009%). This sequence change replaces arginine, which is basic and polar, with cysteine, which is neutral and slightly polar, at codon 82 of the WNT3A protein (p.Arg82Cys).

NM_033131.4(WNT3A):c.244C>T (p.Arg82Cys)

Gene: WNT3A (Wnt family member 3A; plus strand). Cytogenetic location: 1q42.13.
Variant type: single nucleotide variant.
Coding change: c.244C>T on transcript NM_033131.4 (MANE Select); coding-DNA position 244, C replaced by T.
Protein change: p.Arg82Cys; replaces arginine 82 with cysteine.
Molecular consequence: missense variant.
Genome position (GRCh38, 1-based): chr1:228,022,839, C>T. VCF-style: chr1-228022839-C-T. GRCh37 (hg19) VCF-style: chr1-228210540-C-T.
Other names: short protein forms R82C.
Identifiers: ClinVar variation 1713710 (VCV001713710.5), dbSNP rs753280205, ClinGen allele CA1429386.